The following is an entry in ClinVar:

ClinVar aggregate classification (germline): Uncertain significance (1 of 4 stars; one submission).

Submission:

GeneDx
Classification: Uncertain significance. Last evaluated: 2025-05-10. Review status: criteria provided, single submitter. Criteria: GeneDx Variant Classification Process June 2021. Collection method: clinical testing. Allele origin: germline. Affected: yes.
Comment: Not observed at significant frequency in large population cohorts (gnomAD); In silico analysis supports that this missense variant has a deleterious effect on protein structure/function; Has not been previously published as pathogenic or benign to our knowledge

NM_018489.3(ASH1L):c.3850G>C (p.Asp1284His)

Gene: ASH1L (ASH1 like histone lysine methyltransferase; minus strand). Cytogenetic location: 1q22.
Variant type: single nucleotide variant.
Coding change: c.3850G>C on transcript NM_018489.3 (MANE Select); coding-DNA position 3850, G replaced by C.
Protein change: p.Asp1284His; replaces aspartic acid 1284 with histidine.
Molecular consequence: missense variant.
Genome position (GRCh38, 1-based): chr1:155,479,020, C>G on the plus strand (G>C on the coding strand, the complement: ASH1L is on the minus strand). VCF-style: chr1-155479020-C-G. GRCh37 (hg19) VCF-style: chr1-155448811-C-G.
Other names: c.3850G>C, p.Asp1284His (NM_001366177.2); short protein forms D1284H.
Identifiers: ClinVar variation 4528307 (VCV004528307.1).